The following is an entry in ClinVar:

NM_000255.4(MMUT):c.1658del (p.Val553fs)

Gene: MMUT (methylmalonyl-CoA mutase; minus strand). Cytogenetic location: 6p12.3.
Variant type: Deletion.
Coding change: c.1658del on transcript NM_000255.4 (MANE Select); coding-DNA position 1658, one base deleted (T; older notation c.1658delT).
Protein change: p.Val553fs; shifts the reading frame from valine 553.
Molecular consequence: frameshift variant.
Genome position (GRCh38, 1-based): chr6:49,444,657, A deleted on the plus strand (T on the coding strand, the reverse complement: MMUT is on the minus strand). VCF-style (leftmost placement, unchanged base first): chr6-49444656-CA-C. GRCh37 (hg19) VCF-style: chr6-49412369-CA-C.
Other names: c.1658delT (NM_000255.3); short protein forms V553fs.
Identifiers: ClinVar variation 1069591 (VCV001069591.11), dbSNP rs2127415956, ClinGen allele CA450397348.

ClinVar aggregate classification (germline): Pathogenic. Review status: criteria provided, multiple submitters, no conflicts (2 of 4 stars). 4 submissions from 4 submitters: Pathogenic (3). 1 of the submissions does not count toward it. Last evaluated 2026-07-01.

Conditions:
Methylmalonic acidemia (MMA). Also called: Isolated Methylmalonic Acidemia. Identifiers: MedGen C0268583, MeSH C537358, MONDO:0002012, HP:0002912.
Methylmalonic aciduria due to complete methylmalonyl-CoA mutase deficiency.

Allele frequency attached by ClinVar (database versions not stated): gnomAD exomes below 0.00001.

Submissions (4):

CeGaT Center for Human Genetics Tuebingen
Classification: Pathogenic. Last evaluated: 2026-07-01. Review status: criteria provided, single submitter. Criteria: CeGaT Center For Human Genetics Tuebingen Variant Classification Criteria Version 2. Collection method: clinical testing. Allele origin: germline. Affected: yes. Observed: 1 variant allele.
Comment: MMUT: PVS1, PM2, PM3

Women's Health and Genetics/Laboratory Corporation of America, LabCorp
Classification: Pathogenic for Methylmalonic acidemia. Last evaluated: 2023-02-15. Review status: criteria provided, single submitter. Criteria: LabCorp Variant Classification Summary - May 2015. Collection method: clinical testing. Allele origin: germline.
Comment: Variant summary: MUT c.1658delT (p.Val553GlyfsX17) results in a premature termination codon, predicted to cause a truncation of the encoded protein or absence of the protein due to nonsense mediated decay, which are commonly known mechanisms for disease. Truncations downstream of this position have been classified as pathogenic by our laboratory. The variant allele was found at a frequency of 4e-06 in 251222 control chromosomes. c.1658delT has been reported in the literature in individuals affected with Methylmalonic Acidemia (examples: Acquaviva_2005, Forny_2016). These data indicate that the variant is likely to be associated with disease. At least one publication reports experimental evidence evaluating an impact on protein function. The most pronounced variant effect results in <10% of normal activity (example: Forny_2016). Two ClinVar submitters have submitted clinical-significance assessments for this variant to ClinVar after 2014. All laboratories classified the variant as pathogenic (n=2). Based on the evidence outlined above, the variant was classified as pathogenic.

Labcorp Genetics (formerly Invitae), Labcorp
Classification: Pathogenic. Last evaluated: 2020-05-03. Review status: criteria provided, single submitter. Criteria: Invitae Variant Classification Sherloc (09022015). Collection method: clinical testing. Allele origin: germline.
Comment: This sequence change creates a premature translational stop signal (p.Val553Glyfs*17) in the MUT gene. It is expected to result in an absent or disrupted protein product. This variant is not present in population databases (ExAC no frequency). This variant has been observed in individual(s) with methylmalonic acidemia (PMID: 15643616). Algorithms developed to predict the effect of sequence changes on RNA splicing suggest that this variant may create or strengthen a splice site, but this prediction has not been confirmed by published transcriptional studies. Loss-of-function variants in MUT are known to be pathogenic (PMID: 15781192). For these reasons, this variant has been classified as Pathogenic.

Natera, Inc.
Classification: Pathogenic for Methylmalonic aciduria due to complete methylmalonyl-CoA mutase deficiency. Last evaluated: 2021-04-17. Review status: no assertion criteria provided. Collection method: clinical testing. Allele origin: germline. Not counted in ClinVar's aggregate classification.

Literature cited by the submitters: PubMed 15643616 (cited by Women's Health and Genetics/Laboratory Corporation of America, LabCorp and Labcorp Genetics (formerly Invitae), Labcorp); PubMed 27167370 (cited by Women's Health and Genetics/Laboratory Corporation of America, LabCorp); PubMed 15781192 (cited by Labcorp Genetics (formerly Invitae), Labcorp).